The following is an entry in ClinVar:

NM_001371904.1(APOA5):c.464G>A (p.Gly155Glu)

Gene: APOA5 (apolipoprotein A5; minus strand). Cytogenetic location: 11q23.3.
Variant type: single nucleotide variant.
Coding change: c.464G>A on transcript NM_001371904.1 (MANE Select); coding-DNA position 464, G replaced by A.
Protein change: p.Gly155Glu; replaces glycine 155 with glutamic acid.
Molecular consequence: missense variant.
Genome position (GRCh38, 1-based): chr11:116,790,765, C>T on the plus strand (G>A on the coding strand, the complement: APOA5 is on the minus strand). VCF-style: chr11-116790765-C-T. GRCh37 (hg19) VCF-style: chr11-116661481-C-T.
Other names: c.464G>A, p.Gly155Glu (NM_001166598.2, NM_052968.5); short protein forms G155E.
Identifiers: ClinVar variation 1742176 (VCV001742176.3), dbSNP rs2540244650, ClinGen allele CA382738357.

ClinVar aggregate classification (germline): Uncertain significance (1 of 4 stars; one submission).

Conditions:
Cardiovascular phenotype. Identifiers: MedGen CN230736.

Submission:

Ambry Genetics
Classification: Uncertain significance for Cardiovascular phenotype. Last evaluated: 2025-03-04. Review status: criteria provided, single submitter. Criteria: Ambry Variant Classification Scheme 2023. Collection method: clinical testing. Allele origin: germline.
Comment: The p.G155E variant (also known as c.464G>A), located in coding exon 3 of the APOA5 gene, results from a G to A substitution at nucleotide position 464. The glycine at codon 155 is replaced by glutamic acid, an amino acid with similar properties. This amino acid position is highly conserved in available vertebrate species. In addition, the in silico prediction for this alteration is inconclusive. Since supporting evidence is limited at this time, the clinical significance of this alteration remains unclear.